The following is an entry in ClinVar:

NM_001244926.2(PRPF4):c.561-3C>T

Gene: PRPF4 (pre-mRNA splicing tri-snRNP complex factor PRPF4; plus strand). Cytogenetic location: 9q32.
Variant type: single nucleotide variant.
Coding change: c.561-3C>T on transcript NM_001244926.2 (MANE Select); 3 bases into the intron before coding-DNA position 561, C replaced by T.
Molecular consequence: intron variant.
Genome position (GRCh38, 1-based): chr9:113,283,386, C>T. VCF-style: chr9-113283386-C-T. GRCh37 (hg19) VCF-style: chr9-116045666-C-T.
Other names: c.-205-3C>T (NM_001322267.2, NM_001322266.2); c.564-3C>T (NM_004697.5).
Identifiers: ClinVar variation 2967913 (VCV002967913.3), dbSNP rs759896995, ClinGen allele CA5194919.

ClinVar aggregate classification (germline): Uncertain significance (1 of 4 stars; one submission).

Allele frequency attached by ClinVar (database versions not stated): ExAC 0.00001; gnomAD 0.00001; gnomAD exomes 0.00001; TOPMed 0.00001.
gnomAD v4.1: 15 of 1,613,940 alleles (0.00093%); highest among the groups gnomAD compares: Non-Finnish European, 0.0013%; no homozygotes.

Submission:

Labcorp Genetics (formerly Invitae), Labcorp
Classification: Uncertain significance. Last evaluated: 2023-12-01. Review status: criteria provided, single submitter. Criteria: Invitae Variant Classification Sherloc (09022015). Collection method: clinical testing. Allele origin: germline.
Comment: This sequence change falls in intron 5 of the PRPF4 gene. It does not directly change the encoded amino acid sequence of the PRPF4 protein. It affects a nucleotide within the consensus splice site. This variant is present in population databases (rs759896995, gnomAD 0.002%). This variant has not been reported in the literature in individuals affected with PRPF4-related conditions. Variants that disrupt the consensus splice site are a relatively common cause of aberrant splicing (PMID: 17576681, 9536098). Algorithms developed to predict the effect of sequence changes on RNA splicing suggest that this variant is not likely to affect RNA splicing. In summary, the available evidence is currently insufficient to determine the role of this variant in disease. Therefore, it has been classified as a Variant of Uncertain Significance.

Literature cited by the submitters: PubMed 17576681; PubMed 9536098.